The following is an entry in ClinVar:

ClinVar aggregate classification (germline): Pathogenic. Review status: criteria provided, multiple submitters, no conflicts (2 of 4 stars). 2 submissions from 2 submitters: Pathogenic (2). Last evaluated 2021-02-25.

Conditions:
Juvenile polyposis syndrome (JPS). Identifiers: Orphanet 2929, MedGen C0345893, MONDO:0017380, OMIM 174900.
Hereditary cancer-predisposing syndrome. Also called: Tumor predisposition; Neoplastic Syndromes, Hereditary; Hereditary Cancer Syndrome; Hereditary neoplastic syndrome. Identifiers: Orphanet 140162, MedGen C0027672, MeSH D009386, MONDO:0015356.

Submissions (2):

Labcorp Genetics (formerly Invitae), Labcorp
Classification: Pathogenic for Juvenile polyposis syndrome. Last evaluated: 2021-02-25. Review status: criteria provided, single submitter. Criteria: Invitae Variant Classification Sherloc (09022015). Collection method: clinical testing. Allele origin: germline.
Comment: For these reasons, this variant has been classified as Pathogenic. This nonsense change has been observed in individual(s) with juvenile polyposis syndrome (PMID: 12136244). ClinVar contains an entry for this variant (Variation ID: 486799). This variant is not present in population databases (ExAC no frequency). This sequence change creates a premature translational stop signal (p.Ser337*) in the BMPR1A gene. It is expected to result in an absent or disrupted protein product. Loss-of-function variants in BMPR1A are known to be pathogenic (PMID: 11536076, 12417513).

Ambry Genetics
Classification: Pathogenic for Hereditary cancer-predisposing syndrome. Last evaluated: 2016-03-08. Review status: criteria provided, single submitter. Criteria: Ambry Variant Classification Scheme 2023. Collection method: clinical testing. Allele origin: germline.
Comment: The p.S337* pathogenic mutation (also known as c.1010C>A), located in coding exon 8 of the BMPR1A gene, results from a C to A substitution at nucleotide position 1010. This changes the amino acid from a serine to a stop codon within coding exon 8. A different nucleotide substitution (c.1010C>G) leading to the same p.S337* protein truncation has been identified in and individual diagnosed with juvenile polyposis syndrome (JPS) in childhood (Friedl W et al, Hum. Genet. 2002 Jul; 111(1):108-11). In addition to the clinical data presented in the literature, since premature stop codons are typically deleterious in nature, this alteration is interpreted as a disease-causing mutation (ACMG Recommendations for Standards for Interpretation and Reporting of Sequence Variations. Revision 2007. Genet Med. 2008;10:294).

Literature cited by the submitters: PubMed 12136244 (cited by Labcorp Genetics (formerly Invitae), Labcorp and Ambry Genetics); PubMed 11536076 (cited by Labcorp Genetics (formerly Invitae), Labcorp); PubMed 12417513 (cited by Labcorp Genetics (formerly Invitae), Labcorp).

NM_004329.3(BMPR1A):c.1010C>A (p.Ser337Ter)

Gene: BMPR1A (bone morphogenetic protein receptor type 1A; plus strand). Cytogenetic location: 10q23.2.
Variant type: single nucleotide variant.
Coding change: c.1010C>A on transcript NM_004329.3 (MANE Select); coding-DNA position 1010, C replaced by A.
Protein change: p.Ser337Ter; replaces serine 337 with a stop codon.
Molecular consequence: nonsense.
Genome position (GRCh38, 1-based): chr10:86,919,313, C>A. VCF-style: chr10-86919313-C-A. GRCh37 (hg19) VCF-style: chr10-88679070-C-A.
Other names: short protein forms S337*.
Identifiers: ClinVar variation 486799 (VCV000486799.13), dbSNP rs1554891075, ClinGen allele CA377460547.